The following is an entry in ClinVar:

NM_001277115.2(DNAH11):c.2841A>T (p.Gln947His)

Gene: DNAH11 (dynein axonemal heavy chain 11; plus strand). Cytogenetic location: 7p15.3.
Variant type: single nucleotide variant.
Coding change: c.2841A>T on transcript NM_001277115.2 (MANE Select); coding-DNA position 2841, A replaced by T.
Protein change: p.Gln947His; replaces glutamine 947 with histidine.
Molecular consequence: missense variant.
Genome position (GRCh38, 1-based): chr7:21,599,960, A>T. VCF-style: chr7-21599960-A-T. GRCh37 (hg19) VCF-style: chr7-21639578-A-T.
Other names: c.2841A>T, p.Gln947His (NM_003777.3); short protein forms Q947H.
Identifiers: ClinVar variation 1796721 (VCV001796721.2), dbSNP rs1162778746, ClinGen allele CA366944528.

ClinVar aggregate classification (germline): Uncertain significance (1 of 4 stars; one submission).

Conditions:
Primary ciliary dyskinesia. Also called: Ciliary dyskinesia. Identifiers: Orphanet 244, MedGen C0008780, MONDO:0016575, HP:0012265.

Submission:

Ambry Genetics
Classification: Uncertain significance for Primary ciliary dyskinesia. Last evaluated: 2019-11-15. Review status: criteria provided, single submitter. Criteria: Ambry Variant Classification Scheme 2023. Collection method: clinical testing. Allele origin: germline.
Comment: The p.Q947H variant (also known as c.2841A>T), located in coding exon 15 of the DNAH11 gene, results from an A to T substitution at nucleotide position 2841. The glutamine at codon 947 is replaced by histidine, an amino acid with highly similar properties. This amino acid position is well conserved in available vertebrate species. In addition, this alteration is predicted to be tolerated by in silico analysis. Since supporting evidence is limited at this time, the clinical significance of this alteration remains unclear.